The following is an entry in ClinVar:

NM_000238.4(KCNH2):c.41T>G (p.Phe14Cys)

Gene: KCNH2 (potassium voltage-gated channel subfamily H member 2; minus strand). Cytogenetic location: 7q36.1.
Variant type: single nucleotide variant.
Coding change: c.41T>G on transcript NM_000238.4 (MANE Select); coding-DNA position 41, T replaced by G.
Protein change: p.Phe14Cys; replaces phenylalanine 14 with cysteine.
Molecular consequence: missense variant. On other transcripts: non-coding transcript variant (1).
Genome position (GRCh38, 1-based): chr7:150,977,873, A>C on the plus strand (T>G on the coding strand, the complement: KCNH2 is on the minus strand). VCF-style: chr7-150977873-A-C. GRCh37 (hg19) VCF-style: chr7-150674961-A-C.
Other names: c.41T>G, p.Phe14Cys (NM_172056.3); short protein forms F14C.
Identifiers: ClinVar variation 5016776 (VCV005016776.1).

ClinVar aggregate classification (germline): Uncertain significance (1 of 4 stars; one submission).

Submission:

GeneDx
Classification: Uncertain significance. Last evaluated: 2026-03-25. Review status: criteria provided, single submitter. Criteria: GeneDx Variant Classification Process June 2021. Collection method: clinical testing. Allele origin: germline.
Comment: Not observed at significant frequency in large population cohorts (gnomAD); In silico analysis supports that this missense variant has a deleterious effect on protein structure/function; Has not been previously published as pathogenic or benign to our knowledge